The following is an entry in ClinVar:

ClinVar aggregate classification (germline): Uncertain significance (1 of 4 stars; one submission).

Submission:

Ambry Genetics
Classification: Uncertain significance. Last evaluated: 2025-10-01. Review status: criteria provided, single submitter. Criteria: Ambry Variant Classification Scheme 2023. Collection method: clinical testing. Allele origin: germline.
Comment: The p.G178S variant (also known as c.532G>A), located in coding exon 6 of the FAM175A gene, results from a G to A substitution at nucleotide position 532. The glycine at codon 178 is replaced by serine, an amino acid with similar properties. This amino acid position is conserved. In addition, this alteration is predicted to be tolerated by in silico analysis. Based on the available evidence, the clinical significance of this variant remains unclear.

NM_139076.3(ABRAXAS1):c.532G>A (p.Gly178Ser)

Gene: ABRAXAS1 (abraxas 1, BRCA1 A complex subunit; minus strand). Cytogenetic location: 4q21.23.
Variant type: single nucleotide variant.
Coding change: c.532G>A on transcript NM_139076.3 (MANE Select); coding-DNA position 532, G replaced by A.
Protein change: p.Gly178Ser; replaces glycine 178 with serine.
Molecular consequence: missense variant.
Genome position (GRCh38, 1-based): chr4:83,469,096, C>T on the plus strand (G>A on the coding strand, the complement: ABRAXAS1 is on the minus strand). VCF-style: chr4-83469096-C-T. GRCh37 (hg19) VCF-style: chr4-84390249-C-T.
Other names: c.205G>A, p.Gly69Ser (NM_001345962.2); short protein forms G69S, G178S.
Identifiers: ClinVar variation 4636467 (VCV004636467.1).